The following is an entry in ClinVar:

NM_005982.4(SIX1):c.713T>A (p.Met238Lys)

Gene: SIX1 (SIX homeobox 1; minus strand). Cytogenetic location: 14q23.1.
Variant type: single nucleotide variant.
Coding change: c.713T>A on transcript NM_005982.4 (MANE Select); coding-DNA position 713, T replaced by A.
Protein change: p.Met238Lys; replaces methionine 238 with lysine.
Molecular consequence: missense variant.
Genome position (GRCh38, 1-based): chr14:60,646,425, A>T on the plus strand (T>A on the coding strand, the complement: SIX1 is on the minus strand). VCF-style: chr14-60646425-A-T. GRCh37 (hg19) VCF-style: chr14-61113143-A-T.
Other names: c.*132T>A (NM_001425142.1); short protein forms M238K.
Identifiers: ClinVar variation 2935182 (VCV002935182.4), dbSNP rs915194188, ClinGen allele CA389909703.

ClinVar aggregate classification (germline): Uncertain significance. Review status: criteria provided, multiple submitters, no conflicts (2 of 4 stars). 2 submissions from 2 submitters: Uncertain significance (2). Last evaluated 2024-05-06.

Conditions:
Branchiootic syndrome 3 (BOS3). Also called: BO SYNDROME 3. Identifiers: MedGen C1842124, MONDO:0012025, OMIM 608389.
Autosomal dominant nonsyndromic hearing loss 23. Identifiers: Orphanet 90635, MedGen C1854594, MONDO:0011519, OMIM 605192.

Allele frequency attached by ClinVar (database versions not stated): TOPMed below 0.00001.

Submissions (2):

Labcorp Genetics (formerly Invitae), Labcorp
Classification: Uncertain significance for Autosomal dominant nonsyndromic hearing loss 23; Branchiootic syndrome 3. Last evaluated: 2024-05-06. Review status: criteria provided, single submitter. Criteria: Invitae Variant Classification Sherloc (09022015). Collection method: clinical testing. Allele origin: germline.
Comment: This sequence change replaces methionine, which is neutral and non-polar, with lysine, which is basic and polar, at codon 238 of the SIX1 protein (p.Met238Lys). This variant is not present in population databases (gnomAD no frequency). This variant has not been reported in the literature in individuals affected with SIX1-related conditions. Advanced modeling of protein sequence and biophysical properties (such as structural, functional, and spatial information, amino acid conservation, physicochemical variation, residue mobility, and thermodynamic stability) performed at Invitae indicates that this missense variant is not expected to disrupt SIX1 protein function with a negative predictive value of 80%. In summary, the available evidence is currently insufficient to determine the role of this variant in disease. Therefore, it has been classified as a Variant of Uncertain Significance.

Fulgent Genetics
Classification: Uncertain significance for Autosomal dominant nonsyndromic hearing loss 23; Branchiootic syndrome 3. Last evaluated: 2024-02-25. Review status: criteria provided, single submitter. Criteria: ACMG Guidelines, 2015. Collection method: clinical testing. Allele origin: germline.